The following is an entry in ClinVar:

NM_017654.4(SAMD9):c.4238A>G (p.Asp1413Gly)

Gene: SAMD9 (sterile alpha motif domain containing 9; minus strand). Cytogenetic location: 7q21.2.
Variant type: single nucleotide variant.
Coding change: c.4238A>G on transcript NM_017654.4 (MANE Select); coding-DNA position 4238, A replaced by G.
Protein change: p.Asp1413Gly; replaces aspartic acid 1413 with glycine.
Molecular consequence: missense variant.
Genome position (GRCh38, 1-based): chr7:93,101,860, T>C on the plus strand (A>G on the coding strand, the complement: SAMD9 is on the minus strand). VCF-style: chr7-93101860-T-C. GRCh37 (hg19) VCF-style: chr7-92731173-T-C.
Other names: c.4238A>G, p.Asp1413Gly (NM_001193307.2); short protein forms D1413G.
Identifiers: ClinVar variation 4159017 (VCV004159017.1).

ClinVar aggregate classification (germline): Uncertain significance (1 of 4 stars; one submission).

Conditions:
Inborn genetic diseases. Identifiers: MedGen C0950123, MeSH D030342.

Submission:

Ambry Genetics
Classification: Uncertain significance for Inborn genetic diseases. Last evaluated: 2025-06-19. Review status: criteria provided, single submitter. Criteria: Ambry Variant Classification Scheme 2023. Collection method: clinical testing. Allele origin: germline.
Comment: The p.D1413G variant (also known as c.4238A>G), located in coding exon 1 of the SAMD9 gene, results from an A to G substitution at nucleotide position 4238. The aspartic acid at codon 1413 is replaced by glycine, an amino acid with similar properties. This amino acid position is conserved. In addition, this alteration is predicted to be tolerated by in silico analysis. Based on the available evidence, the clinical significance of this variant remains unclear.